The following is an entry in ClinVar:

ClinVar aggregate classification (germline): Uncertain significance (1 of 4 stars; one submission).

Allele frequency attached by ClinVar (database versions not stated): TOPMed below 0.00001.
gnomAD v4.1: 21 of 1,613,682 alleles (0.0013%); highest among the groups gnomAD compares: Non-Finnish European, 0.0017%; no homozygotes.

Submission:

Labcorp Genetics (formerly Invitae), Labcorp
Classification: Uncertain significance. Last evaluated: 2022-03-22. Review status: criteria provided, single submitter. Criteria: Invitae Variant Classification Sherloc (09022015). Collection method: clinical testing. Allele origin: germline.
Comment: In summary, the available evidence is currently insufficient to determine the role of this variant in disease. Therefore, it has been classified as a Variant of Uncertain Significance. Algorithms developed to predict the effect of sequence changes on RNA splicing suggest that this variant may disrupt the consensus splice site. Algorithms developed to predict the effect of missense changes on protein structure and function (SIFT, PolyPhen-2, Align-GVGD) all suggest that this variant is likely to be tolerated. This variant has not been reported in the literature in individuals affected with GTPBP3-related conditions. This variant is present in population databases (rs752233769, gnomAD 0.0009%). This sequence change replaces serine, which is neutral and polar, with arginine, which is basic and polar, at codon 378 of the GTPBP3 protein (p.Ser378Arg).

NM_032620.4(GTPBP3):c.1036A>C (p.Ser346Arg)

Gene: GTPBP3 (GTP binding protein 3, mitochondrial; plus strand). Cytogenetic location: 19p13.11.
Variant type: single nucleotide variant.
Coding change: c.1036A>C on transcript NM_032620.4 (MANE Select); coding-DNA position 1036, A replaced by C.
Protein change: p.Ser346Arg; replaces serine 346 with arginine.
Molecular consequence: missense variant. On other transcripts: splice acceptor variant (1).
Genome position (GRCh38, 1-based): chr19:17,341,105, A>C. VCF-style: chr19-17341105-A-C. GRCh37 (hg19) VCF-style: chr19-17451914-A-C.
Other names: c.1102A>C, p.Ser368Arg (NM_001195422.1); c.1132A>C, p.Ser378Arg (NM_133644.4); c.975-2A>C (NM_001128855.3); short protein forms S378R, S368R, S346R.
Identifiers: ClinVar variation 1439265 (VCV001439265.6), dbSNP rs752233769, ClinGen allele CA9293632.
Genomic context (GRCh38, chr19:17,341,105, plus strand): 5'-CTAGAGCAGGCTGACCTCATTCTGGCCATGCTGGATGCTTCTGACCTGGCCTCTCCCTCC[A>C]GTTGCAACTTCCTGGCCACCGTCGTAGCCTCTGTGGGAGCCCAGAGCCCCAGTGACAGCA-3'
Protein context (NP_116009.2, residues 336-356): LDASDLASPS[Ser346Arg]CNFLATVVAS